The following is an entry in ClinVar:

NM_001034853.2(RPGR):c.267G>C (p.Val89=)

Gene: RPGR (retinitis pigmentosa GTPase regulator; minus strand). Cytogenetic location: Xp11.4.
Variant type: single nucleotide variant.
Coding change: c.267G>C on transcript NM_001034853.2 (MANE Select); coding-DNA position 267, G replaced by C.
Protein change: p.Val89=; no amino-acid change (valine 89 retained).
Molecular consequence: synonymous variant. On other transcripts: non-coding transcript variant (6).
Genome position (GRCh38, 1-based): chrX:38,321,070, C>G on the plus strand (G>C on the coding strand, the complement: RPGR is on the minus strand). VCF-style: chrX-38321070-C-G. GRCh37 (hg19) VCF-style: chrX-38180323-C-G.
Other names: NM_001034853.2(RPGR):c.267G>C; p.Val89=; c.267G>C, p.Val89= (NM_000328.3, NM_001367245.1, NM_001367246.1 and 4 more transcripts); c.297G>C, p.Val99= (NM_001367248.1).
Identifiers: ClinVar variation 1607203 (VCV001607203.9), dbSNP rs2147285733, ClinGen allele CA515651898.
Genomic context (GRCh38, chrX:38,321,070, plus strand): 5'-CAGGTTGAGCACTATACCTGTTGACACCAGGGTGTGGTTCCTTCCACAGGCAGCTAATTT[C>G]ACTTTTTCAGGTTTTAGAGCTAAAAATATTTAAAATGGGACAATTATTTTATAGCAATGA-3'
Protein context (NP_001030025.1, residues 79-99): TCVKALKPEK[Val89=]KLAACGRNHT

ClinVar aggregate classification (germline): Likely benign. Review status: reviewed by expert panel (3 of 4 stars). 2 submissions from 2 submitters: Likely benign (1). 1 of the submissions does not count toward it. Last evaluated 2026-11-20.

Conditions:
Primary ciliary dyskinesia. Also called: Ciliary dyskinesia. Identifiers: Orphanet 244, MedGen C0008780, MONDO:0016575, HP:0012265.
RPGR-related retinopathy. Also called: RPGR retinopathy. Identifiers: MedGen CN305589, MONDO:0100437.

Submissions (2):

ClinGen X-linked Inherited Retinal Disease Variant Curation Expert Panel, ClinGen
Classification: Likely benign for RPGR-related retinopathy. Last evaluated: 2026-11-20. Review status: reviewed by expert panel. Criteria: ClinGen X LinkedIRD ACMG Specifications RPGR V1.0.0. Collection method: curation. Allele origin: germline. Inheritance: X-linked inheritance.
Comment: NM_001034853.2(RPGR):c.267G>C is a silent variant at codon 89 that does not have an impact on splicing sites, according to Splice AI, which predicts a delta score of 0.00 for all splicing types, which is below the ClinGen X-linked IRD VCEP recommended threshold of <0.1 and does not strongly predict an impact on splicing (BP7, BP4). This variant is absent from hemizygous individuals in gnomAD v4.1.2 (PM2_Supporting). In summary, this variant is classified as likely benign for RPGR-related retinopathy based on the ClinGen X-linked Inherited Retinal Disease Expert Panel Specifications to the ACMG/AMP Variant Interpretation Guidelines for RPGR, Version 1.0.0, using the following evidence codes: BP4, BP7, and PM2_Supporting.

Labcorp Genetics (formerly Invitae), Labcorp
Classification: Likely benign for Primary ciliary dyskinesia. Last evaluated: 2021-09-27. Review status: criteria provided, single submitter. Criteria: Invitae Variant Classification Sherloc (09022015). Collection method: clinical testing. Allele origin: germline. Not counted in ClinVar's aggregate classification.